The following is an entry in ClinVar:

NM_001195263.2(PDZD7):c.2246A>C (p.Asn749Thr)

Gene: PDZD7 (PDZ domain containing 7; minus strand). Cytogenetic location: 10q24.31.
Variant type: single nucleotide variant.
Coding change: c.2246A>C on transcript NM_001195263.2 (MANE Select); coding-DNA position 2246, A replaced by C.
Protein change: p.Asn749Thr; replaces asparagine 749 with threonine.
Molecular consequence: missense variant.
Genome position (GRCh38, 1-based): chr10:101,010,643, T>G on the plus strand (A>C on the coding strand, the complement: PDZD7 is on the minus strand). VCF-style: chr10-101010643-T-G. GRCh37 (hg19) VCF-style: chr10-102770400-T-G.
Other names: short protein forms N749T.
Identifiers: ClinVar variation 2818740 (VCV002818740.3), dbSNP rs2133999493, ClinGen allele CA378224823.

ClinVar aggregate classification (germline): Uncertain significance (1 of 4 stars; one submission).

Submission:

Labcorp Genetics (formerly Invitae), Labcorp
Classification: Uncertain significance. Last evaluated: 2022-12-05. Review status: criteria provided, single submitter. Criteria: Invitae Variant Classification Sherloc (09022015). Collection method: clinical testing. Allele origin: germline.
Comment: In summary, the available evidence is currently insufficient to determine the role of this variant in disease. Therefore, it has been classified as a Variant of Uncertain Significance. Advanced modeling of protein sequence and biophysical properties (such as structural, functional, and spatial information, amino acid conservation, physicochemical variation, residue mobility, and thermodynamic stability) performed at Invitae indicates that this missense variant is not expected to disrupt PDZD7 protein function. This variant has not been reported in the literature in individuals affected with PDZD7-related conditions. This variant is not present in population databases (gnomAD no frequency). This sequence change replaces asparagine, which is neutral and polar, with threonine, which is neutral and polar, at codon 749 of the PDZD7 protein (p.Asn749Thr).